The following is an entry in ClinVar:

NM_006516.4(SLC2A1):c.1279C>T (p.Gln427Ter)

Gene: SLC2A1 (solute carrier family 2 member 1; minus strand). Cytogenetic location: 1p34.2.
Variant type: single nucleotide variant.
Coding change: c.1279C>T on transcript NM_006516.4 (MANE Select); coding-DNA position 1279, C replaced by T.
Protein change: p.Gln427Ter; replaces glutamine 427 with a stop codon.
Molecular consequence: nonsense.
Genome position (GRCh38, 1-based): chr1:42,927,241, G>A on the plus strand (C>T on the coding strand, the complement: SLC2A1 is on the minus strand). VCF-style: chr1-42927241-G-A. GRCh37 (hg19) VCF-style: chr1-43392912-G-A.
Other names: short protein forms Q427*.
Identifiers: ClinVar variation 449953 (VCV000449953.2), dbSNP rs1553155843, ClinGen allele CA339953583.

ClinVar aggregate classification (germline): Likely pathogenic (1 of 4 stars; one submission).

Submission:

GeneDx
Classification: Likely pathogenic. Last evaluated: 2017-04-28. Review status: criteria provided, single submitter. Criteria: GeneDx Variant Classification (06012015). Collection method: clinical testing. Allele origin: germline. Affected: yes.
Comment: A variant that is likely pathogenic has been identified in the SLC2A1 gene. The Q427X variant has not been published as a pathogenic variant, nor has it been reported as a benign variant to our knowledge. The Q427X nonsense variant is predicted to cause loss of normal protein function through protein truncation as the last 66 amino acids of the SLC2A1 protein are lost. Furthermore, the Q427X variant is not observed in large population cohorts (Lek et al., 2016; 1000 Genomes Consortium et al., 2015; Exome Variant Server). Although this variant has not been reported previously to our knowledge, other truncating variants downstream of this position have been reported in the Human Gene Mutation Database in association with Glut1-DS (Stenson et al., 2014). Therefore, this variant is likely pathogenic; however, the possibility that it is benign cannot be excluded.